The following is an entry in ClinVar:

ClinVar aggregate classification (germline): Uncertain significance. Review status: criteria provided, multiple submitters, no conflicts (2 of 4 stars). 2 submissions from 2 submitters: Uncertain significance (2). Last evaluated 2026-05-27.

Conditions:
Inborn genetic diseases. Identifiers: MedGen C0950123, MeSH D030342.
Arginine:glycine amidinotransferase deficiency (CCDS3). Also called: L-Arginine:Glycine Amidinotransferase Deficiency; Cerebral creatine deficiency syndrome 3; AGAT deficiency; Creatine deficiency syndrome due to AGAT deficiency; GATM deficiency; L-Arginine:Glycine Amidinotransferase (AGAT) Deficiency. Identifiers: Orphanet 35704, MedGen C2675179, MONDO:0012996, OMIM 612718.

Allele frequency attached by ClinVar (database versions not stated): gnomAD exomes below 0.00001.
gnomAD v4.1: 1 of 1,613,652 alleles (0.000062%); highest among the groups gnomAD compares: Non-Finnish European, 0.000085%; no homozygotes.

Submissions (2):

Ambry Genetics
Classification: Uncertain significance for Inborn genetic diseases. Last evaluated: 2026-05-27. Review status: criteria provided, single submitter. Criteria: Ambry Variant Classification Scheme 2023. Collection method: clinical testing. Allele origin: germline.

Labcorp Genetics (formerly Invitae), Labcorp
Classification: Uncertain significance for Arginine:glycine amidinotransferase deficiency. Last evaluated: 2024-06-24. Review status: criteria provided, single submitter. Criteria: Invitae Variant Classification Sherloc (09022015). Collection method: clinical testing. Allele origin: germline.
Comment: This sequence change replaces glutamic acid, which is acidic and polar, with lysine, which is basic and polar, at codon 94 of the GATM protein (p.Glu94Lys). This variant is not present in population databases (gnomAD no frequency). This variant has not been reported in the literature in individuals affected with GATM-related conditions. Advanced modeling of protein sequence and biophysical properties (such as structural, functional, and spatial information, amino acid conservation, physicochemical variation, residue mobility, and thermodynamic stability) performed at Invitae indicates that this missense variant is not expected to disrupt GATM protein function with a negative predictive value of 80%. In summary, the available evidence is currently insufficient to determine the role of this variant in disease. Therefore, it has been classified as a Variant of Uncertain Significance.

NM_001482.3(GATM):c.280G>A (p.Glu94Lys)

Gene: GATM (glycine amidinotransferase; minus strand). Cytogenetic location: 15q21.1.
Variant type: single nucleotide variant.
Coding change: c.280G>A on transcript NM_001482.3 (MANE Select); coding-DNA position 280, G replaced by A.
Protein change: p.Glu94Lys; replaces glutamic acid 94 with lysine.
Molecular consequence: missense variant. On other transcripts: 5 prime UTR variant (1).
Genome position (GRCh38, 1-based): chr15:45,376,609, C>T on the plus strand (G>A on the coding strand, the complement: GATM is on the minus strand). VCF-style: chr15-45376609-C-T. GRCh37 (hg19) VCF-style: chr15-45668807-C-T.
Other names: c.-108G>A (NM_001321015.2); c.280G>A (NM_001482.2); short protein forms E94K.
Identifiers: ClinVar variation 2919769 (VCV002919769.4), dbSNP rs2542005192, ClinGen allele CA392264878.